The following is an entry in ClinVar:

ClinVar aggregate classification (germline): Pathogenic/Likely pathogenic. Review status: criteria provided, multiple submitters, no conflicts (2 of 4 stars). 6 submissions from 6 submitters: Pathogenic (3); Likely pathogenic (2). 1 of the submissions does not count toward it. Last evaluated 2025-09-02.

Conditions:
Familial thoracic aortic aneurysm and aortic dissection (TAAD). Also called: Thoracic aortic aneurysms and dissections. Identifiers: Orphanet 91387, MedGen C4707243, MONDO:0019625.
Ehlers-Danlos syndrome, type 4 (EDSVASC). Also called: Ehlers-Danlos syndrome vascular type; Ehlers Danlos syndrome, ecchymotic type; Ehlers Danlos syndrome, arterial type; Ehlers Danlos syndrome, Sack-Barabas type; Ehlers-Danlos Syndrome Type IV. Identifiers: Orphanet 286, MedGen C0268338, MONDO:0017314, OMIM 130050.

Allele frequency attached by ClinVar (database versions not stated): gnomAD exomes below 0.00001; TOPMed below 0.00001.
gnomAD v4.1: 1 of 1,613,592 alleles (0.000062%); highest among the groups gnomAD compares: Non-Finnish European, 0.000085%; no homozygotes.

Submissions (6):

Color Diagnostics, LLC DBA Color Health
Classification: Pathogenic for Familial thoracic aortic aneurysm and aortic dissection. Last evaluated: 2025-09-02. Review status: criteria provided, single submitter. Criteria: ACMG Guidelines, 2015. Collection method: clinical testing. Allele origin: germline.
Comment: This variant changes 1 nucleotide in exon 47 of the COL3A1 gene, creating a premature translation stop signal. This variant is expected to result in an absent or non-functional protein product. To our knowledge, this variant has not been reported in individuals affected with COL3A1-related disorders in the literature. This variant has not been identified in the general population by the Genome Aggregation Database (gnomAD). Loss of COL3A1 function is a known mechanism of disease. Based on the available evidence, this variant is classified as Pathogenic.

Ambry Genetics
Classification: Pathogenic for Familial thoracic aortic aneurysm and aortic dissection. Last evaluated: 2025-05-09. Review status: criteria provided, single submitter. Criteria: Ambry Variant Classification Scheme 2023. Collection method: clinical testing. Allele origin: germline.
Comment: The p.R1166* pathogenic mutation (also known as c.3496C>T), located in coding exon 47 of the COL3A1 gene, results from a C to T substitution at nucleotide position 3496. This changes the amino acid from an arginine to a stop codon within coding exon 47. This variant was reported in individual(s) with features consistent with COL3A1-related Ehlers-Danlos syndrome (Leistritz DF et al. Genet Med, 2011 Aug;13:717-22). This variant is considered to be rare based on population cohorts in the Genome Aggregation Database (gnomAD). This alteration is expected to result in loss of function by premature protein truncation or nonsense-mediated mRNA decay. As such, this alteration is interpreted as a disease-causing mutation.

Centre of Medical Genetics, University of Antwerp
Classification: Pathogenic for Familial thoracic aortic aneurysm and aortic dissection. Last evaluated: 2024-09-06. Review status: criteria provided, single submitter. Criteria: ACMG Guidelines, 2015. Collection method: clinical testing. Allele origin: germline. Affected: yes.
Comment: P(PVS1; PM2; PP5)

Baylor Genetics
Classification: Likely pathogenic for Ehlers-Danlos syndrome, type 4. Last evaluated: 2023-06-15. Review status: criteria provided, single submitter. Criteria: ACMG Guidelines, 2015. Collection method: clinical testing. Allele origin: unknown.

Laboratory for Molecular Medicine, Mass General Brigham Personalized Medicine
Classification: Likely pathogenic for Ehlers-Danlos syndrome, type 4. Last evaluated: 2019-02-27. Review status: criteria provided, single submitter. Criteria: ACMG Guidelines, 2015. Collection method: clinical testing. Allele origin: germline. Inheritance: Autosomal dominant inheritance.
Comment: The p.Arg1166X variant in COL3A1 has been reported in 1 individual with vascular type Ehlers Danlos syndrome (vEDS) who also carried a missense variant in COL3A1. Cultured fibroblasts from this individual showed approximately 10% production of type III procollagen compared to controls (Leistritz 2011, Pepin 2014).This variant was absent from large population studies. This nonsense variant leads to a premature termination codon at position 1166, which is predicted to lead to a truncated or absent protein. Loss of function of the COL3A1 gene is an established disease mechanism in autosomal dominant vEDS. In summary, although additional studies are required to fully establish its clinical significance, this variant meets criteria to be classified as likely pathogenic for autosomal dominant vEDS. ACMG/AMP Criteria applied: PVS1, PM2, PS4_Supporting.

Collagen Diagnostic Laboratory, University of Washington
Classification: Pathogenic for Ehlers-Danlos syndrome, type 4. Review status: no assertion criteria provided. Collection method: clinical testing. Allele origin: germline. Affected: yes. Not counted in ClinVar's aggregate classification.

Literature cited by the submitters: PubMed 21637106 (cited by 3 submitters); PubMed 24922459 (cited by Laboratory for Molecular Medicine, Mass General Brigham Personalized Medicine).

NM_000090.4(COL3A1):c.3496C>T (p.Arg1166Ter)

Gene: COL3A1 (collagen type III alpha 1 chain; plus strand). Cytogenetic location: 2q32.2.
Variant type: single nucleotide variant.
Coding change: c.3496C>T on transcript NM_000090.4 (MANE Select); coding-DNA position 3496, C replaced by T.
Protein change: p.Arg1166Ter; replaces arginine 1166 with a stop codon.
Molecular consequence: nonsense.
Genome position (GRCh38, 1-based): chr2:189,008,113, C>T. VCF-style: chr2-189008113-C-T. GRCh37 (hg19) VCF-style: chr2-189872839-C-T.
Other names: NP_000081.1:p.Arg1166*; short protein forms R1166*.
Identifiers: ClinVar variation 101382 (VCV000101382.7), dbSNP rs587779646, ClinGen allele CA006495.